The following is an entry in ClinVar:

NM_006031.6(PCNT):c.4642A>G (p.Ile1548Val)

Gene: PCNT (pericentrin; plus strand). Cytogenetic location: 21q22.3.
Variant type: single nucleotide variant.
Coding change: c.4642A>G on transcript NM_006031.6 (MANE Select); coding-DNA position 4642, A replaced by G.
Protein change: p.Ile1548Val; replaces isoleucine 1548 with valine.
Molecular consequence: missense variant.
Genome position (GRCh38, 1-based): chr21:46,399,647, A>G. VCF-style: chr21-46399647-A-G. GRCh37 (hg19) VCF-style: chr21-47819561-A-G.
Other names: c.4288A>G, p.Ile1430Val (NM_001315529.2); short protein forms I1548V, I1430V.
Identifiers: ClinVar variation 896955 (VCV000896955.9), dbSNP rs766280665, ClinGen allele CA10079744.

ClinVar aggregate classification (germline): Conflicting classifications of pathogenicity. Review status: criteria provided, conflicting classifications (1 of 4 stars). 3 submissions from 3 submitters: Uncertain significance (2); Likely benign (1). Last evaluated 2023-04-28.

Conditions:
Microcephalic osteodysplastic primordial dwarfism type II (MOPD2). Also called: Microcephalic osteodysplastic primordial dwarfism with tooth abnormalities; MOPD II; OSTEODYSPLASTIC PRIMORDIAL DWARFISM, TYPE II. Identifiers: Orphanet 2637, MedGen C0432246, MONDO:0008872, OMIM 210720.

Allele frequency attached by ClinVar (database versions not stated): gnomAD 0.00001 and 0.00002; gnomAD exomes 0.00003; ExAC 0.00005; 1000 Genomes Project 30x 0.00031.
gnomAD v4.1: 50 of 1,614,020 alleles (0.0031%); highest among the groups gnomAD compares: South Asian, 0.04%; 2 homozygotes.

Submissions (3):

Blueprint Genetics
Classification: Likely benign. Last evaluated: 2023-04-28. Review status: criteria provided, single submitter. Criteria: ACMG Guidelines, 2015. Collection method: clinical testing. Allele origin: germline.

Labcorp Genetics (formerly Invitae), Labcorp
Classification: Uncertain significance. Last evaluated: 2021-08-31. Review status: criteria provided, single submitter. Criteria: Invitae Variant Classification Sherloc (09022015). Collection method: clinical testing. Allele origin: germline.
Comment: This sequence change replaces isoleucine with valine at codon 1548 of the PCNT protein (p.Ile1548Val). The isoleucine residue is moderately conserved and there is a small physicochemical difference between isoleucine and valine. This variant is present in population databases (rs766280665, ExAC 0.04%). This variant has not been reported in the literature in individuals affected with PCNT-related conditions. ClinVar contains an entry for this variant (Variation ID: 896955). Algorithms developed to predict the effect of missense changes on protein structure and function output the following: SIFT: "Tolerated"; PolyPhen-2: "Benign"; Align-GVGD: "Class C0". The valine amino acid residue is found in multiple mammalian species, which suggests that this missense change does not adversely affect protein function. In summary, the available evidence is currently insufficient to determine the role of this variant in disease. Therefore, it has been classified as a Variant of Uncertain Significance.

Illumina Laboratory Services, Illumina
Classification: Uncertain significance for Microcephalic osteodysplastic primordial dwarfism type II. Last evaluated: 2018-04-06. Review status: criteria provided, single submitter. Criteria: ICSL Variant Classification Criteria 13 December 2019. Collection method: clinical testing. Allele origin: germline.